The following is an entry in ClinVar:

ClinVar aggregate classification (germline): Uncertain significance. Review status: criteria provided, multiple submitters, no conflicts (2 of 4 stars). 2 submissions from 2 submitters: Uncertain significance (2). Last evaluated 2026-07-27.

Conditions:
Hereditary cancer-predisposing syndrome. Also called: Neoplastic Syndromes, Hereditary; Hereditary Cancer Syndrome; Tumor predisposition; Hereditary neoplastic syndrome. Identifiers: Orphanet 140162, MedGen C0027672, MeSH D009386, MONDO:0015356.

Submissions (2):

Ambry Genetics
Classification: Uncertain significance for Hereditary cancer-predisposing syndrome. Last evaluated: 2026-07-27. Review status: criteria provided, single submitter. Criteria: Ambry Variant Classification Scheme 2023. Collection method: clinical testing. Allele origin: germline.
Comment: The p.E442A variant (also known as c.1325A>C), located in coding exon 13 of the POLE gene, results from an A to C substitution at nucleotide position 1325. The glutamic acid at codon 442 is replaced by alanine, an amino acid with dissimilar properties. This amino acid position is conserved. In addition, the in silico prediction for this alteration is inconclusive. Based on the available evidence, the clinical significance of this variant remains unclear.

Labcorp Genetics (formerly Invitae), Labcorp
Classification: Uncertain significance. Last evaluated: 2023-11-24. Review status: criteria provided, single submitter. Criteria: Invitae Variant Classification Sherloc (09022015). Collection method: clinical testing. Allele origin: germline.
Comment: This sequence change replaces glutamic acid, which is acidic and polar, with alanine, which is neutral and non-polar, at codon 442 of the POLE protein (p.Glu442Ala). This variant is not present in population databases (gnomAD no frequency). This variant has not been reported in the literature in individuals affected with POLE-related conditions. ClinVar contains an entry for this variant (Variation ID: 951465). Advanced modeling of protein sequence and biophysical properties (such as structural, functional, and spatial information, amino acid conservation, physicochemical variation, residue mobility, and thermodynamic stability) performed at Invitae indicates that this missense variant is expected to disrupt POLE protein function with a positive predictive value of 80%. In summary, the available evidence is currently insufficient to determine the role of this variant in disease. Therefore, it has been classified as a Variant of Uncertain Significance.

NM_006231.4(POLE):c.1325A>C (p.Glu442Ala)

Gene: POLE (DNA polymerase epsilon, catalytic subunit; minus strand). Cytogenetic location: 12q24.33.
Variant type: single nucleotide variant.
Coding change: c.1325A>C on transcript NM_006231.4 (MANE Select); coding-DNA position 1325, A replaced by C.
Protein change: p.Glu442Ala; replaces glutamic acid 442 with alanine.
Molecular consequence: missense variant.
Genome position (GRCh38, 1-based): chr12:132,673,609, T>G on the plus strand (A>C on the coding strand, the complement: POLE is on the minus strand). VCF-style: chr12-132673609-T-G. GRCh37 (hg19) VCF-style: chr12-133250195-T-G.
Other names: c.1325A>C (NM_006231.2); short protein forms E442A.
Identifiers: ClinVar variation 951465 (VCV000951465.10), dbSNP rs1230334566, ClinGen allele CA387359261.